The following is an entry in ClinVar:

ClinVar aggregate classification (germline): Uncertain significance (1 of 4 stars; one submission).

Conditions:
Hypertrophic cardiomyopathy. Also called: HYPERTROPHIC MYOCARDIOPATHY. Identifiers: Orphanet 217569, MedGen C0007194, MeSH D002312, MONDO:0005045, HP:0001639.

Submission:

Labcorp Genetics (formerly Invitae), Labcorp
Classification: Uncertain significance for Hypertrophic cardiomyopathy. Last evaluated: 2024-08-28. Review status: criteria provided, single submitter. Criteria: Invitae Variant Classification Sherloc (09022015). Collection method: clinical testing. Allele origin: germline.
Comment: This sequence change replaces aspartic acid, which is acidic and polar, with glycine, which is neutral and non-polar, at codon 203 of the MYH7 protein (p.Asp203Gly). This variant is not present in population databases (gnomAD no frequency). This variant has not been reported in the literature in individuals affected with MYH7-related conditions. Invitae Evidence Modeling of protein sequence and biophysical properties (such as structural, functional, and spatial information, amino acid conservation, physicochemical variation, residue mobility, and thermodynamic stability) indicates that this missense variant is not expected to disrupt MYH7 protein function with a negative predictive value of 95%. In summary, the available evidence is currently insufficient to determine the role of this variant in disease. Therefore, it has been classified as a Variant of Uncertain Significance.

NM_000257.4(MYH7):c.608A>G (p.Asp203Gly)

Gene: MYH7 (myosin heavy chain 7; minus strand). Cytogenetic location: 14q11.2.
Variant type: single nucleotide variant.
Coding change: c.608A>G on transcript NM_000257.4 (MANE Select); coding-DNA position 608, A replaced by G.
Protein change: p.Asp203Gly; replaces aspartic acid 203 with glycine.
Molecular consequence: missense variant.
Genome position (GRCh38, 1-based): chr14:23,431,792, T>C on the plus strand (A>G on the coding strand, the complement: MYH7 is on the minus strand). VCF-style: chr14-23431792-T-C. GRCh37 (hg19) VCF-style: chr14-23901001-T-C.
Other names: c.608A>G, p.Asp203Gly (NM_001407004.1); short protein forms D203G.
Identifiers: ClinVar variation 3636058 (VCV003636058.2).